The following is an entry in ClinVar:

ClinVar aggregate classification (germline): Pathogenic (1 of 4 stars; one submission).

Submission:

Labcorp Genetics (formerly Invitae), Labcorp
Classification: Pathogenic. Last evaluated: 2023-11-06. Review status: criteria provided, single submitter. Criteria: Invitae Variant Classification Sherloc (09022015). Collection method: clinical testing. Allele origin: germline.
Comment: This sequence change creates a premature translational stop signal (p.Val1395Glyfs*37) in the USH2A gene. It is expected to result in an absent or disrupted protein product. Loss-of-function variants in USH2A are known to be pathogenic (PMID: 10729113, 10909849, 20507924, 25649381). This variant is not present in population databases (gnomAD no frequency). This variant has not been reported in the literature in individuals affected with USH2A-related conditions. For these reasons, this variant has been classified as Pathogenic.

Literature cited by the submitters: PubMed 10729113; PubMed 10909849; PubMed 20507924; PubMed 25649381.

NM_206933.4(USH2A):c.4184del (p.Val1395fs)

Genes: USH2A (usherin; minus strand), USH2A-AS1 (USH2A antisense RNA 1; plus strand). Cytogenetic location: 1q41.
Variant type: Deletion.
Coding change: c.4184del on transcript NM_206933.4 (MANE Select); coding-DNA position 4184, one base deleted (T; older notation c.4184delT).
Protein change: p.Val1395fs; shifts the reading frame from valine 1395.
Molecular consequence: frameshift variant.
Genome position (GRCh38, 1-based): chr1:216,196,620, A deleted on the plus strand (T on the coding strand, the reverse complement: USH2A is on the minus strand). VCF-style (leftmost placement, unchanged base first): chr1-216196619-CA-C. GRCh37 (hg19) VCF-style: chr1-216369961-CA-C.
Other names: c.4184del, p.Val1395fs (NM_007123.6); short protein forms V1395fs.
Identifiers: ClinVar variation 2693657 (VCV002693657.3), dbSNP rs2528035588, ClinGen allele CA2697554941.